The following is an entry in ClinVar:

ClinVar aggregate classification (germline): Conflicting classifications of pathogenicity. Review status: criteria provided, conflicting classifications (1 of 4 stars). 2 submissions from 2 submitters: Uncertain significance (1); Likely benign (1). Last evaluated 2017-07-11.

Allele frequency attached by ClinVar (database versions not stated): TOPMed 0.00002.
gnomAD v4.1: 11 of 1,603,074 alleles (0.00069%); highest among the groups gnomAD compares: Admixed American, 0.0084%; no homozygotes.

Submissions (2):

GeneDx
Classification: Likely benign. Last evaluated: 2017-07-11. Review status: criteria provided, single submitter. Criteria: GeneDx Variant Classification Process June 2021. Collection method: clinical testing. Allele origin: germline. Affected: yes.

Laboratory for Molecular Medicine, Mass General Brigham Personalized Medicine
Classification: Uncertain significance. Last evaluated: 2012-07-30. Review status: criteria provided, single submitter. Criteria: LMM Criteria. Collection method: clinical testing. Allele origin: germline. Observed: 1 variant allele.
Comment: Variant classified as Uncertain Significance - Favor Benign. The *13G>T variant in LDB3 has not been reported in the literature nor previously identified by our laboratory. This variant occurs in the 3' untranslated region (3' UTR) and does not affect the coding sequence of the gene. Although this region can contain el ements that regulate mRNA, there is no obvious predicted effect of this variant and no other pathogenic variants have been reported in the 3' UTR region of the LDB3 gene. Although this data supports that the *13G>T variant may be benign, ad ditional studies are needed to fully assess its clinical significance.

NM_007078.3(LDB3):c.*13G>T

Gene: LDB3 (LIM domain binding 3; plus strand). Cytogenetic location: 10q23.2.
Variant type: single nucleotide variant.
Coding change: c.*13G>T on transcript NM_007078.3 (MANE Select); 13 bases downstream of the stop codon, G replaced by T.
Molecular consequence: 3 prime UTR variant.
Genome position (GRCh38, 1-based): chr10:86,732,989, G>T. VCF-style: chr10-86732989-G-T. GRCh37 (hg19) VCF-style: chr10-88492746-G-T.
Other names: c.*13G>T; c.*13G>T (NM_001080114.2, NM_001171610.2, NM_001368064.1 and 2 more transcripts).
Identifiers: ClinVar variation 45508 (VCV000045508.8), dbSNP rs397517207, ClinGen allele CA136470.